The following is an entry in ClinVar:

ClinVar aggregate classification (germline): Pathogenic (1 of 4 stars; one submission).

Conditions:
Familial cancer of breast. Also called: BREAST CANCER, FAMILIAL; hereditary breast carcinoma; Hereditary breast cancer. Identifiers: Orphanet 227535, MedGen C0346153, MONDO:0016419, OMIM 114480. Disease mechanism: loss of function.

Submission:

Myriad Genetics, Inc.
Classification: Pathogenic for Familial cancer of breast. Last evaluated: 2023-06-23. Review status: criteria provided, single submitter. Criteria: Myriad Autosomal Dominant, Autosomal Recessive and X-Linked Classification Criteria (2023). Collection method: clinical testing. Allele origin: unknown.
Comment: This variant is considered pathogenic. This variant creates a frameshift predicted to result in premature protein truncation.

NM_007194.4(CHEK2):c.339del (p.Trp114fs)

Gene: CHEK2 (checkpoint kinase 2; minus strand). Cytogenetic location: 22q12.1.
Variant type: Deletion.
Coding change: c.339del on transcript NM_007194.4 (MANE Select); coding-DNA position 339, one base deleted (C; older notation c.339delC).
Protein change: p.Trp114fs; shifts the reading frame from tryptophan 114.
Molecular consequence: frameshift variant.
Genome position (GRCh38, 1-based): chr22:28,725,348, G deleted on the plus strand (C on the coding strand, the reverse complement: CHEK2 is on the minus strand). VCF-style (leftmost placement, unchanged base first): chr22-28725347-AG-A. GRCh37 (hg19) VCF-style: chr22-29121335-AG-A.
Other names: c.468delC, p.Trp157Glyfs (NM_001005735.3); c.-439delC (NM_001257387.3); c.339delC, p.Trp114Glyfs (NM_001349956.3, NM_145862.3); short protein forms W114fs, W157fs.
Identifiers: ClinVar variation 2584322 (VCV002584322.2), dbSNP rs2518061226, ClinGen allele CA2582342808.